The following is an entry in ClinVar:

ClinVar aggregate classification (germline): Uncertain significance (0 of 4 stars; one submission).

Conditions:
WARS1-related disorder. Also called: WARS1-related condition.

Allele frequency attached by ClinVar (database versions not stated): TOPMed below 0.00001.
gnomAD v4.1: 2 of 1,613,500 alleles (0.00012%); highest among the groups gnomAD compares: Admixed American, 0.0033%; no homozygotes.

Submission:

PreventionGenetics, part of Exact Sciences
Classification: Uncertain significance for WARS1-related condition. Last evaluated: 2024-01-23. Review status: no assertion criteria provided. Collection method: clinical testing. Allele origin: germline.
Comment: The WARS1 c.875C>T variant is predicted to result in the amino acid substitution p.Ser292Leu. To our knowledge, this variant has not been reported in the literature. This variant is reported in 0.0058% of alleles in individuals of Latino descent in gnomAD. At this time, the clinical significance of this variant is uncertain due to the absence of conclusive functional and genetic evidence.

NM_004184.4(WARS1):c.875C>T (p.Ser292Leu)

Gene: WARS1 (tryptophanyl-tRNA synthetase 1; minus strand). Cytogenetic location: 14q32.2.
Variant type: single nucleotide variant.
Coding change: c.875C>T on transcript NM_004184.4 (MANE Select); coding-DNA position 875, C replaced by T.
Protein change: p.Ser292Leu; replaces serine 292 with leucine.
Molecular consequence: missense variant.
Genome position (GRCh38, 1-based): chr14:100,343,339, G>A on the plus strand (C>T on the coding strand, the complement: WARS1 is on the minus strand). VCF-style: chr14-100343339-G-A. GRCh37 (hg19) VCF-style: chr14-100809676-G-A.
Other names: c.875C>T, p.Ser292Leu (NM_173701.2); c.752C>T, p.Ser251Leu (NM_213645.2, NM_213646.2); short protein forms S251L, S292L.
Identifiers: ClinVar variation 3036551 (VCV003036551.2), dbSNP rs941707983, ClinGen allele CA266812522.